The following is an entry in ClinVar:

NM_006662.3(SRCAP):c.3211C>T (p.Leu1071Phe)

Gene: SRCAP (Snf2 related CREBBP activator protein; plus strand). Cytogenetic location: 16p11.2.
Variant type: single nucleotide variant.
Coding change: c.3211C>T on transcript NM_006662.3 (MANE Select); coding-DNA position 3211, C replaced by T.
Protein change: p.Leu1071Phe; replaces leucine 1071 with phenylalanine.
Molecular consequence: missense variant.
Genome position (GRCh38, 1-based): chr16:30,720,936, C>T. VCF-style: chr16-30720936-C-T. GRCh37 (hg19) VCF-style: chr16-30732257-C-T.
Other names: short protein forms L1071F.
Identifiers: ClinVar variation 3580106 (VCV003580106.4).

ClinVar aggregate classification (germline): Uncertain significance. Review status: criteria provided, multiple submitters, no conflicts (2 of 4 stars). 3 submissions from 3 submitters: Uncertain significance (3). Last evaluated 2026-01-07.

Conditions:
Floating-Harbor syndrome (FLHS). Also called: Short stature with delayed bone age, expressive language delay, a triangular face with a prominent nose and deep-set eyes; Pelletier-Leisti syndrome; SRCAP-Related Floating-Harbor Syndrome. Identifiers: Orphanet 2044, MedGen C0729582, MONDO:0007621, OMIM 136140.
Developmental delay, hypotonia, musculoskeletal defects, and behavioral abnormalities. Identifiers: MedGen C5562012, MONDO:0859202, OMIM 619595.

gnomAD v4.1: 1 of 1,613,290 alleles (0.000062%); highest among the groups gnomAD compares: Admixed American, 0.0017%; no homozygotes.

Submissions (3):

Women's Health and Genetics/Laboratory Corporation of America, LabCorp
Classification: Uncertain significance. Last evaluated: 2026-01-07. Review status: criteria provided, single submitter. Criteria: LabCorp Variant Classification Summary - May 2015. Collection method: clinical testing. Allele origin: germline.
Comment: Variant summary: SRCAP c.3211C>T (p.Leu1071Phe) results in a non-conservative amino acid change in the encoded protein sequence. Algorithms developed to predict the effect of missense changes on protein structure and function are either unavailable or do not agree on the potential impact of this missense change. The variant was absent in 250092 control chromosomes. The available data on variant occurrences in the general population are insufficient to allow any conclusion about variant significance. To our knowledge, no occurrence of c.3211C>T in individuals affected with SRCAP-related conditions and no experimental evidence demonstrating its impact on protein function have been reported. ClinVar contains an entry for this variant (Variation ID: 3580106). Based on the evidence outlined above, the variant was classified as uncertain significance.

Dasa
Classification: Uncertain significance. Last evaluated: 2025-10-10. Review status: criteria provided, single submitter. Criteria: DASA Assertion Criteria. Collection method: clinical testing. Allele origin: germline.
Comment: NM_006662.3(SRCAP):c.3211C>T (p.Leu1071Phe) is a missense variant that results in the substitution of leucine with phenylalanine. This variant is rare in population databases. The currently available literature and clinical evidence are not sufficient to establish a definitive association between this variant and the reported condition. Therefore, this variant is classified as a variant of uncertain significance.

Fulgent Genetics
Classification: Uncertain significance for Floating-Harbor syndrome; Developmental delay, hypotonia, musculoskeletal defects, and behavioral abnormalities. Last evaluated: 2024-03-16. Review status: criteria provided, single submitter. Criteria: ACMG Guidelines, 2015. Collection method: clinical testing. Allele origin: germline.